The following is an entry in ClinVar:

NM_003839.4(TNFRSF11A):c.500A>G (p.Asp167Gly)

Gene: TNFRSF11A (TNF receptor superfamily member 11a; plus strand). Cytogenetic location: 18q21.33.
Variant type: single nucleotide variant.
Coding change: c.500A>G on transcript NM_003839.4 (MANE Select); coding-DNA position 500, A replaced by G.
Protein change: p.Asp167Gly; replaces aspartic acid 167 with glycine.
Molecular consequence: missense variant.
Genome position (GRCh38, 1-based): chr18:62,358,320, A>G. VCF-style: chr18-62358320-A-G. GRCh37 (hg19) VCF-style: chr18-60025553-A-G.
Other names: c.500A>G, p.Asp167Gly (NM_001270949.2, NM_001270950.2, NM_001270951.2); c.458A>G, p.Asp153Gly (NM_001278268.2); short protein forms D167G, D153G.
Identifiers: ClinVar variation 1923588 (VCV001923588.6), dbSNP rs922077544, ClinGen allele CA301696830.

ClinVar aggregate classification (germline): Uncertain significance. Review status: criteria provided, multiple submitters, no conflicts (2 of 4 stars). 2 submissions from 2 submitters: Uncertain significance (2). Last evaluated 2025-09-24.

Conditions:
Inborn genetic diseases. Identifiers: MedGen C0950123, MeSH D030342.

Allele frequency attached by ClinVar (database versions not stated): gnomAD 0.00001; gnomAD exomes 0.00001; TOPMed 0.00001.
gnomAD v4.1: 14 of 1,613,076 alleles (0.00087%); highest among the groups gnomAD compares: Non-Finnish European, 0.0012%; no homozygotes.

Submissions (2):

Labcorp Genetics (formerly Invitae), Labcorp
Classification: Uncertain significance. Last evaluated: 2025-09-24. Review status: criteria provided, single submitter. Criteria: Invitae Variant Classification Sherloc (09022015). Collection method: clinical testing. Allele origin: germline.
Comment: This sequence change replaces aspartic acid, which is acidic and polar, with glycine, which is neutral and non-polar, at codon 167 of the TNFRSF11A protein (p.Asp167Gly). The frequency data for this variant in the population databases is considered unreliable, as metrics indicate poor data quality at this position in the gnomAD database. This variant has not been reported in the literature in individuals affected with TNFRSF11A-related conditions. ClinVar contains an entry for this variant (Variation ID: 1923588). Invitae Evidence Modeling of protein sequence and biophysical properties (such as structural, functional, and spatial information, amino acid conservation, physicochemical variation, residue mobility, and thermodynamic stability) indicates that this missense variant is not expected to disrupt TNFRSF11A protein function with a negative predictive value of 80%. In summary, the available evidence is currently insufficient to determine the role of this variant in disease. Therefore, it has been classified as a Variant of Uncertain Significance.

Ambry Genetics
Classification: Uncertain significance for Inborn genetic diseases. Last evaluated: 2024-07-27. Review status: criteria provided, single submitter. Criteria: Ambry Variant Classification Scheme 2023. Collection method: clinical testing. Allele origin: germline.